The following is an entry in ClinVar:

ClinVar aggregate classification (germline): Uncertain significance (1 of 4 stars; one submission).

Allele frequency attached by ClinVar (database versions not stated): gnomAD exomes below 0.00001; TOPMed below 0.00001.
gnomAD v4.1: 3 of 1,613,982 alleles (0.00019%); highest among the groups gnomAD compares: Non-Finnish European, 0.00025%; no homozygotes.

Submission:

Labcorp Genetics (formerly Invitae), Labcorp
Classification: Uncertain significance. Last evaluated: 2022-03-15. Review status: criteria provided, single submitter. Criteria: Invitae Variant Classification Sherloc (09022015). Collection method: clinical testing. Allele origin: germline.
Comment: In summary, the available evidence is currently insufficient to determine the role of this variant in disease. Therefore, it has been classified as a Variant of Uncertain Significance. Algorithms developed to predict the effect of missense changes on protein structure and function are either unavailable or do not agree on the potential impact of this missense change (SIFT: "Not Available"; PolyPhen-2: "Probably Damaging"; Align-GVGD: "Not Available"). This variant has not been reported in the literature in individuals affected with MYO18B-related conditions. This variant is not present in population databases (gnomAD no frequency). This sequence change replaces leucine, which is neutral and non-polar, with proline, which is neutral and non-polar, at codon 579 of the MYO18B protein (p.Leu579Pro).

NM_032608.7(MYO18B):c.1736T>C (p.Leu579Pro)

Gene: MYO18B (myosin XVIIIB; plus strand). Cytogenetic location: 22q12.1.
Variant type: single nucleotide variant.
Coding change: c.1736T>C on transcript NM_032608.7 (MANE Select); coding-DNA position 1736, T replaced by C.
Protein change: p.Leu579Pro; replaces leucine 579 with proline.
Molecular consequence: missense variant.
Genome position (GRCh38, 1-based): chr22:25,772,377, T>C. VCF-style: chr22-25772377-T-C. GRCh37 (hg19) VCF-style: chr22-26168344-T-C.
Other names: c.1736T>C, p.Leu579Pro (NM_001318245.2); short protein forms L579P.
Identifiers: ClinVar variation 2112643 (VCV002112643.4), dbSNP rs1224846194, ClinGen allele CA411005881.